The following is an entry in ClinVar:

NM_020806.5(GPHN):c.1549C>A (p.Leu517Ile)

Gene: GPHN (gephyrin; plus strand). Cytogenetic location: 14q23.3.
Variant type: single nucleotide variant.
Coding change: c.1549C>A on transcript NM_020806.5 (MANE Select); coding-DNA position 1549, C replaced by A.
Protein change: p.Leu517Ile; replaces leucine 517 with isoleucine.
Molecular consequence: missense variant.
Genome position (GRCh38, 1-based): chr14:67,113,094, C>A. VCF-style: chr14-67113094-C-A. GRCh37 (hg19) VCF-style: chr14-67579811-C-A.
Other names: c.1450C>A, p.Leu484Ile (NM_001024218.2); c.1609C>A, p.Leu537Ile (NM_001377514.1); c.1579C>A, p.Leu527Ile (NM_001377515.1); c.1570C>A, p.Leu524Ile (NM_001377516.1); c.1522C>A, p.Leu508Ile (NM_001377517.1); c.1507C>A, p.Leu503Ile (NM_001377518.1); c.1489C>A, p.Leu497Ile (NM_001377519.1); short protein forms L503I, L517I, L527I, L484I, L497I, L508I, L524I, L537I.
Identifiers: ClinVar variation 2701446 (VCV002701446.3), dbSNP rs138042556, ClinGen allele CA7234117.

ClinVar aggregate classification (germline): Uncertain significance (1 of 4 stars; one submission).

Conditions:
Sulfite oxidase deficiency due to molybdenum cofactor deficiency type C. Also called: Molybdenum cofactor deficiency, complementation group C; Molybdenum cofactor deficiency C. Identifiers: Orphanet 308400, Orphanet 833, MedGen C1854990, MONDO:0014212, OMIM 615501.

Allele frequency attached by ClinVar (database versions not stated): ESP Exome Variant Server 0.00008.
gnomAD v4.1: 1 of 1,613,686 alleles (0.000062%); highest among the groups gnomAD compares: African/African-American, 0.0013%; no homozygotes.

Submission:

Labcorp Genetics (formerly Invitae), Labcorp
Classification: Uncertain significance for Sulfite oxidase deficiency due to molybdenum cofactor deficiency type C. Last evaluated: 2023-12-08. Review status: criteria provided, single submitter. Criteria: Invitae Variant Classification Sherloc (09022015). Collection method: clinical testing. Allele origin: germline.
Comment: This sequence change replaces leucine, which is neutral and non-polar, with isoleucine, which is neutral and non-polar, at codon 517 of the GPHN protein (p.Leu517Ile). This variant is not present in population databases (gnomAD no frequency). This variant has not been reported in the literature in individuals affected with GPHN-related conditions. Advanced modeling of protein sequence and biophysical properties (such as structural, functional, and spatial information, amino acid conservation, physicochemical variation, residue mobility, and thermodynamic stability) performed at Invitae indicates that this missense variant is not expected to disrupt GPHN protein function with a negative predictive value of 80%. In summary, the available evidence is currently insufficient to determine the role of this variant in disease. Therefore, it has been classified as a Variant of Uncertain Significance.